The following is an entry in ClinVar:

ClinVar aggregate classification (germline): Uncertain significance. Review status: criteria provided, multiple submitters, no conflicts (2 of 4 stars). 2 submissions from 2 submitters: Uncertain significance (2). Last evaluated 2023-06-04.

Conditions:
Hereditary cancer-predisposing syndrome. Also called: Neoplastic Syndromes, Hereditary; Tumor predisposition; Hereditary neoplastic syndrome; Hereditary Cancer Syndrome. Identifiers: Orphanet 140162, MedGen C0027672, MeSH D009386, MONDO:0015356.
Mitochondrial complex II deficiency, nuclear type 1. Also called: SUCCINATE CoQ REDUCTASE DEFICIENCY. Identifiers: Orphanet 3208, MedGen C5700310, MONDO:0100294, OMIM 252011.
Pheochromocytoma/paraganglioma syndrome 5. Also called: Paragangliomas 5; SDHA-Related Hereditary Paraganglioma-Pheochromocytoma Syndrome. Identifiers: Orphanet 29072, MedGen C3279992, MONDO:0013602, OMIM 614165.

Submissions (2):

Labcorp Genetics (formerly Invitae), Labcorp
Classification: Uncertain significance for Pheochromocytoma/paraganglioma syndrome 5; Mitochondrial complex II deficiency, nuclear type 1. Last evaluated: 2023-06-04. Review status: criteria provided, single submitter. Criteria: Invitae Variant Classification Sherloc (09022015). Collection method: clinical testing. Allele origin: germline.
Comment: This variant has not been reported in the literature in individuals affected with SDHA-related conditions. This variant is not present in population databases (gnomAD no frequency). This sequence change replaces arginine, which is basic and polar, with glycine, which is neutral and non-polar, at codon 9 of the SDHA protein (p.Arg9Gly). ClinVar contains an entry for this variant (Variation ID: 539688). In summary, the available evidence is currently insufficient to determine the role of this variant in disease. Therefore, it has been classified as a Variant of Uncertain Significance. Advanced modeling of protein sequence and biophysical properties (such as structural, functional, and spatial information, amino acid conservation, physicochemical variation, residue mobility, and thermodynamic stability) performed at Invitae indicates that this missense variant is not expected to disrupt SDHA protein function.

Ambry Genetics
Classification: Uncertain significance for Hereditary cancer-predisposing syndrome. Last evaluated: 2023-05-03. Review status: criteria provided, single submitter. Criteria: Ambry Variant Classification Scheme 2023. Collection method: clinical testing. Allele origin: germline.
Comment: The p.R9G variant (also known as c.25C>G), located in coding exon 1 of the SDHA gene, results from a C to G substitution at nucleotide position 25. The arginine at codon 9 is replaced by glycine, an amino acid with dissimilar properties. This amino acid position is conserved. In addition, this alteration is predicted to be tolerated by in silico analysis. Since supporting evidence is limited at this time, the clinical significance of this alteration remains unclear.

NM_004168.4(SDHA):c.25C>G (p.Arg9Gly)

Gene: SDHA (succinate dehydrogenase complex flavoprotein subunit A; plus strand). Cytogenetic location: 5p15.33.
Variant type: single nucleotide variant.
Coding change: c.25C>G on transcript NM_004168.4 (MANE Select); coding-DNA position 25, C replaced by G.
Protein change: p.Arg9Gly; replaces arginine 9 with glycine.
Molecular consequence: missense variant.
Genome position (GRCh38, 1-based): chr5:218,380, C>G. VCF-style: chr5-218380-C-G. GRCh37 (hg19) VCF-style: chr5-218495-C-G.
Other names: c.25C>G, p.Arg9Gly (NM_001294332.2, NM_001330758.2); c.25C>G (NM_004168.2); short protein forms R9G.
Identifiers: ClinVar variation 539688 (VCV000539688.11), dbSNP rs776218604, ClinGen allele CA359007301.